The following is an entry in ClinVar:

NM_000038.6(APC):c.1606G>C (p.Glu536Gln)

Gene: APC (APC regulator of Wnt signaling pathway; plus strand). Cytogenetic location: 5q22.2.
Variant type: single nucleotide variant.
Coding change: c.1606G>C on transcript NM_000038.6 (MANE Select); coding-DNA position 1606, G replaced by C.
Protein change: p.Glu536Gln; replaces glutamic acid 536 with glutamine.
Molecular consequence: missense variant.
Genome position (GRCh38, 1-based): chr5:112,827,986, G>C. VCF-style: chr5-112827986-G-C. GRCh37 (hg19) VCF-style: chr5-112163683-G-C.
Other names: c.1606G>C, p.Glu536Gln (NM_001127510.3, NM_001354895.2, NM_001407450.1); c.1552G>C, p.Glu518Gln (NM_001127511.3); c.1660G>C, p.Glu554Gln (NM_001354896.2, NM_001407447.1, NM_001407448.1 and 1 more transcripts); c.1636G>C, p.Glu546Gln (NM_001354897.2); c.1531G>C, p.Glu511Gln (NM_001354898.2); c.1522G>C, p.Glu508Gln (NM_001354899.2); c.1483G>C, p.Glu495Gln (NM_001354900.2); c.1429G>C, p.Glu477Gln (NM_001354901.2, NM_001407453.1); and 11 more; short protein forms E152Q, E253Q, E376Q, E407Q, E410Q, E435Q, E495Q, E518Q.
Identifiers: ClinVar variation 2704951 (VCV002704951.3), dbSNP rs138098808, ClinGen allele CA16024810.

ClinVar aggregate classification (germline): Uncertain significance (1 of 4 stars; one submission).

Conditions:
Familial adenomatous polyposis 1 (FAP1). Also called: POLYPOSIS, ADENOMATOUS INTESTINAL; FAMILIAL ADENOMATOUS POLYPOSIS 1, ATTENUATED. Identifiers: MedGen C2713442, MONDO:0021056, OMIM 175100. Disease mechanism: loss of function.

Submission:

Labcorp Genetics (formerly Invitae), Labcorp
Classification: Uncertain significance for Familial adenomatous polyposis 1. Last evaluated: 2023-12-22. Review status: criteria provided, single submitter. Criteria: Invitae Variant Classification Sherloc (09022015). Collection method: clinical testing. Allele origin: germline.
Comment: This sequence change replaces glutamic acid, which is acidic and polar, with glutamine, which is neutral and polar, at codon 536 of the APC protein (p.Glu536Gln). This variant is not present in population databases (gnomAD no frequency). This variant has not been reported in the literature in individuals affected with APC-related conditions. Advanced modeling of protein sequence and biophysical properties (such as structural, functional, and spatial information, amino acid conservation, physicochemical variation, residue mobility, and thermodynamic stability) performed at Invitae indicates that this missense variant is not expected to disrupt APC protein function with a negative predictive value of 95%. In summary, the available evidence is currently insufficient to determine the role of this variant in disease. Therefore, it has been classified as a Variant of Uncertain Significance.